The following is an entry in ClinVar:

ClinVar aggregate classification (germline): Uncertain significance (1 of 4 stars; one submission).

Submission:

GeneDx
Classification: Uncertain significance. Last evaluated: 2023-02-27. Review status: criteria provided, single submitter. Criteria: GeneDx Variant Classification Process June 2021. Collection method: clinical testing. Allele origin: germline. Affected: yes.
Comment: In silico analysis supports that this variant does not alter splicing; Has not been previously published as pathogenic or benign to our knowledge; No data available from ethnically-matched control populations to assess the frequency of this variant

NM_182931.3(KMT2E):c.-95A>G

Gene: KMT2E (lysine methyltransferase 2E (inactive); plus strand). Cytogenetic location: 7q22.3.
Variant type: single nucleotide variant.
Coding change: c.-95A>G on transcript NM_182931.3 (MANE Select); 95 bases upstream of the start codon, A replaced by G.
Molecular consequence: 5 prime UTR variant. On other transcripts: intron variant (1).
Genome position (GRCh38, 1-based): chr7:105,040,858, A>G. VCF-style: chr7-105040858-A-G. GRCh37 (hg19) VCF-style: chr7-104681305-A-G.
Other names: c.-95A>G (NM_001410908.1); c.-78-17A>G (NM_018682.4).
Identifiers: ClinVar variation 2577643 (VCV002577643.1), dbSNP rs2536327644, ClinGen allele CA2580617502.